The following is an entry in ClinVar:

NM_001386298.1(CIC):c.2137C>T (p.Arg713Ter)

Gene: CIC (capicua transcriptional repressor; plus strand). Cytogenetic location: 19q13.2.
Variant type: single nucleotide variant.
Coding change: c.2137C>T on transcript NM_001386298.1 (MANE Select); coding-DNA position 2137, C replaced by T.
Protein change: p.Arg713Ter; replaces arginine 713 with a stop codon.
Molecular consequence: nonsense.
Genome position (GRCh38, 1-based): chr19:42,273,920, C>T. VCF-style: chr19-42273920-C-T. GRCh37 (hg19) VCF-style: chr19-42778072-C-T.
Other names: c.2137C>T, p.Arg713Ter (NM_001304815.2, NM_001379480.1, NM_001379482.1 and 1 more transcripts); short protein forms R713*.
Identifiers: ClinVar variation 2629657 (VCV002629657.1), dbSNP rs2513610268, ClinGen allele CA406088029.

ClinVar aggregate classification (germline): Uncertain significance (1 of 4 stars; one submission).

Conditions:
CIC-related disorder. Also called: CIC-related condition.

Submission:

PreventionGenetics, part of Exact Sciences
Classification: Uncertain significance for CIC-related condition. Last evaluated: 2023-01-10. Review status: criteria provided, single submitter. Criteria: ACMG Guidelines, 2015. Collection method: clinical testing. Allele origin: germline.
Comment: The CIC c.2137C>T variant is predicted to result in premature protein termination (p.Arg713*). This variant corresponds to a pre-coding position in the primary transcript for this gene (NM_015125.4:c.-10785C>T). The role of regulatory variants in CIC-related disease is presently unknown. To our knowledge, this variant has not been reported in the literature or in a large population database, indicating this variant is rare. At this time, the clinical significance of this variant is uncertain due to the absence of conclusive functional and genetic evidence.